The following is an entry in ClinVar:

NM_018117.12(WDR11):c.1303G>A (p.Ala435Thr)

Gene: WDR11 (WD repeat domain 11; plus strand). Cytogenetic location: 10q26.12.
Variant type: single nucleotide variant.
Coding change: c.1303G>A on transcript NM_018117.12 (MANE Select); coding-DNA position 1303, G replaced by A.
Protein change: p.Ala435Thr; replaces alanine 435 with threonine.
Molecular consequence: missense variant.
Genome position (GRCh38, 1-based): chr10:120,871,178, G>A. VCF-style: chr10-120871178-G-A. GRCh37 (hg19) VCF-style: chr10-122630690-G-A.
Other names: short protein forms A435T.
Identifiers: ClinVar variation 37309 (VCV000037309.6), dbSNP rs318240760, ClinGen allele CA130157.
Genomic context (GRCh38, chr10:120,871,178, plus strand): 5'-AAGATCAGCATACACTGTAGTTAATATATTTGTTATTTTTATTACAAATCAGGGCAAAGT[G>A]CAATTGCTGGGGAAGAACATCCCAGAGGTTCAATTCTGCGGGAAGTGCACCTCAAGTTCC-3'
Protein context (NP_060587.8, residues 425-445): LSLDNMIGQS[Ala435Thr]IAGEEHPRGS

ClinVar aggregate classification (germline): Uncertain significance. Review status: criteria provided, single submitter (1 of 4 stars). 3 submissions from 3 submitters: Uncertain significance (1). 2 of the submissions do not count toward it. Last evaluated 2025-07-30.

Conditions:
Hypogonadotropic hypogonadism 14 with or without anosmia (HH14). Also called: HYPOGONADOTROPIC HYPOGONADISM 14 WITHOUT ANOSMIA. Identifiers: Orphanet 478, MedGen C3540450, MONDO:0013926, OMIM 614858.

Allele frequency attached by ClinVar (database versions not stated): ESP Exome Variant Server 0.00031; gnomAD 0.00017 and 0.00020; TOPMed 0.00029.
gnomAD v4.1: 414 of 1,614,138 alleles (0.026%); highest among the groups gnomAD compares: South Asian, 0.044%; 1 homozygote.

Submissions (3):

Labcorp Genetics (formerly Invitae), Labcorp
Classification: Uncertain significance. Last evaluated: 2025-07-30. Review status: criteria provided, single submitter. Criteria: Invitae Variant Classification Sherloc (09022015). Collection method: clinical testing. Allele origin: germline.
Comment: This sequence change replaces alanine, which is neutral and non-polar, with threonine, which is neutral and polar, at codon 435 of the WDR11 protein (p.Ala435Thr). This variant is present in population databases (rs318240760, gnomAD 0.05%). This missense change has been observed in individual(s) with idiopathic hypogonadotropic hypogonadism (PMID: 20887964). ClinVar contains an entry for this variant (Variation ID: 37309). An algorithm developed to predict the effect of missense changes on protein structure and function outputs the following: PolyPhen-2: "Benign". The threonine amino acid residue is found in multiple mammalian species, which suggests that this missense change does not adversely affect protein function. Experimental studies have shown that this missense change affects WDR11 function (PMID: 29263200). In summary, the available evidence is currently insufficient to determine the role of this variant in disease. Therefore, it has been classified as a Variant of Uncertain Significance.

OMIM
Classification: Pathogenic for HYPOGONADOTROPIC HYPOGONADISM 14 WITHOUT ANOSMIA. Last evaluated: 2010-10-08. Review status: no assertion criteria provided. Collection method: literature only. Allele origin: germline. Not counted in ClinVar's aggregate classification.

UniProtKB/Swiss-Prot
No classification provided. Review status: no classification provided. Collection method: not provided. Allele origin: not provided. Not counted in ClinVar's aggregate classification.

Literature cited by the submitters: PubMed 20887964 (cited by Labcorp Genetics (formerly Invitae), Labcorp and OMIM); PubMed 29263200 (cited by Labcorp Genetics (formerly Invitae), Labcorp).